The following is an entry in ClinVar:

NM_002282.3(KRT83):c.229G>A (p.Gly77Arg)

Gene: KRT83 (keratin 83; minus strand). Cytogenetic location: 12q13.13.
Variant type: single nucleotide variant.
Coding change: c.229G>A on transcript NM_002282.3 (MANE Select); coding-DNA position 229, G replaced by A.
Protein change: p.Gly77Arg; replaces glycine 77 with arginine.
Molecular consequence: missense variant.
Genome position (GRCh38, 1-based): chr12:52,321,107, C>T on the plus strand (G>A on the coding strand, the complement: KRT83 is on the minus strand). VCF-style: chr12-52321107-C-T. GRCh37 (hg19) VCF-style: chr12-52714891-C-T.
Other names: short protein forms G77R.
Identifiers: ClinVar variation 4545210 (VCV004545210.2).

ClinVar aggregate classification (germline): Uncertain significance. Review status: criteria provided, multiple submitters, no conflicts (2 of 4 stars). 2 submissions from 2 submitters: Uncertain significance (2). Last evaluated 2025-10-15.

gnomAD v4.1: 7 of 1,612,294 alleles (0.00043%); highest among the groups gnomAD compares: Admixed American, 0.0033%; no homozygotes.

Submissions (2):

Ambry Genetics
Classification: Uncertain significance. Last evaluated: 2025-10-15. Review status: criteria provided, single submitter. Criteria: Ambry Variant Classification Scheme 2023. Collection method: clinical testing. Allele origin: germline.

Labcorp Genetics (formerly Invitae), Labcorp
Classification: Uncertain significance. Last evaluated: 2025-08-05. Review status: criteria provided, single submitter. Criteria: Invitae Variant Classification Sherloc (09022015). Collection method: clinical testing. Allele origin: germline.
Comment: This sequence change replaces glycine, which is neutral and non-polar, with arginine, which is basic and polar, at codon 77 of the KRT83 protein (p.Gly77Arg). This variant is present in population databases (rs774021555, gnomAD 0.006%). This variant has not been reported in the literature in individuals affected with KRT83-related conditions. Invitae Evidence Modeling of protein sequence and biophysical properties (such as structural, functional, and spatial information, amino acid conservation, physicochemical variation, residue mobility, and thermodynamic stability) indicates that this missense variant is not expected to disrupt KRT83 protein function with a negative predictive value of 80%. In summary, the available evidence is currently insufficient to determine the role of this variant in disease. Therefore, it has been classified as a Variant of Uncertain Significance.